The following is an entry in ClinVar:

NM_001040151.2(SCN3B):c.272G>A (p.Arg91His)

Gene: SCN3B (sodium voltage-gated channel beta subunit 3; minus strand). Cytogenetic location: 11q24.1.
Variant type: single nucleotide variant.
Coding change: c.272G>A on transcript NM_001040151.2 (MANE Select); coding-DNA position 272, G replaced by A.
Protein change: p.Arg91His; replaces arginine 91 with histidine.
Molecular consequence: missense variant.
Genome position (GRCh38, 1-based): chr11:123,642,619, C>T on the plus strand (G>A on the coding strand, the complement: SCN3B is on the minus strand). VCF-style: chr11-123642619-C-T. GRCh37 (hg19) VCF-style: chr11-123513327-C-T.
Other names: c.272G>A, p.Arg91His (NM_018400.4); short protein forms R91H.
Identifiers: ClinVar variation 1795275 (VCV001795275.8), dbSNP rs756913203, ClinGen allele CA6334044.

ClinVar aggregate classification (germline): Uncertain significance. Review status: criteria provided, multiple submitters, no conflicts (2 of 4 stars). 2 submissions from 2 submitters: Uncertain significance (2). Last evaluated 2024-10-15.

Conditions:
Cardiovascular phenotype. Identifiers: MedGen CN230736.
Brugada syndrome 7 (BRGDA7). Identifiers: Orphanet 130, MedGen C2751088, MONDO:0013146, OMIM 613120.

Allele frequency attached by ClinVar (database versions not stated): ExAC 0.00001; gnomAD exomes below 0.00001.
gnomAD v4.1: 10 of 1,614,052 alleles (0.00062%); highest among the groups gnomAD compares: African/African-American, 0.004%; no homozygotes.

Submissions (2):

Labcorp Genetics (formerly Invitae), Labcorp
Classification: Uncertain significance for Brugada syndrome 7. Last evaluated: 2024-10-15. Review status: criteria provided, single submitter. Criteria: Invitae Variant Classification Sherloc (09022015). Collection method: clinical testing. Allele origin: germline.
Comment: This sequence change replaces arginine, which is basic and polar, with histidine, which is basic and polar, at codon 91 of the SCN3B protein (p.Arg91His). This variant is present in population databases (rs756913203, gnomAD 0.004%). This variant has not been reported in the literature in individuals affected with SCN3B-related conditions. ClinVar contains an entry for this variant (Variation ID: 1795275). An algorithm developed to predict the effect of missense changes on protein structure and function (PolyPhen-2) suggests that this variant is likely to be disruptive. In summary, the available evidence is currently insufficient to determine the role of this variant in disease. Therefore, it has been classified as a Variant of Uncertain Significance.

Ambry Genetics
Classification: Uncertain significance for Cardiovascular phenotype. Last evaluated: 2023-06-23. Review status: criteria provided, single submitter. Criteria: Ambry Variant Classification Scheme 2023. Collection method: clinical testing. Allele origin: germline.
Comment: The p.R91H variant (also known as c.272G>A), located in coding exon 3 of the SCN3B gene, results from a G to A substitution at nucleotide position 272. The arginine at codon 91 is replaced by histidine, an amino acid with highly similar properties. This amino acid position is highly conserved in available vertebrate species. In addition, this alteration is predicted to be deleterious by in silico analysis. Since supporting evidence is limited at this time, the clinical significance of this alteration remains unclear.